The following is an entry in ClinVar:

NM_000078.3(CETP):c.1456G>A (p.Val486Met)

Gene: CETP (cholesteryl ester transfer protein; plus strand). Cytogenetic location: 16q13.
Variant type: single nucleotide variant.
Coding change: c.1456G>A on transcript NM_000078.3 (MANE Select); coding-DNA position 1456, G replaced by A.
Protein change: p.Val486Met; replaces valine 486 with methionine.
Molecular consequence: missense variant.
Genome position (GRCh38, 1-based): chr16:56,983,640, G>A. VCF-style: chr16-56983640-G-A. GRCh37 (hg19) VCF-style: chr16-57017552-G-A.
Other names: c.1456G>A (NM_000078.2); c.1276G>A, p.Val426Met (NM_001286085.2); short protein forms V426M, V486M.
Identifiers: ClinVar variation 2078436 (VCV002078436.5), dbSNP rs5887, ClinGen allele CA8071415.
Genomic context (GRCh38, chr16:56,983,640, plus strand): 5'-CCCTCCCTTCAGGGCTTCCTGCTGCTGCAGATGGACTTTGGCTTCCCTGAGCACCTGCTG[G>A]TGGATTTCCTCCAGAGCTTGAGCTAGAAGTCTCCAAGGAGGTCGGGATGGGGCTTGTAGC-3'
Protein context (NP_000069.2, residues 476-493): MDFGFPEHLL[Val486Met]DFLQSLS

ClinVar aggregate classification (germline): Conflicting classifications of pathogenicity. Review status: criteria provided, conflicting classifications (1 of 4 stars). 2 submissions from 2 submitters: Uncertain significance (1); Likely benign (1). Last evaluated 2026-01-07.

Allele frequency attached by ClinVar (database versions not stated): gnomAD exomes 0.00009; 1000 Genomes Project 30x 0.00016; ExAC 0.00017; 1000 Genomes Project 0.00020; ESP Exome Variant Server 0.00054; gnomAD 0.00054; TOPMed 0.00056.
gnomAD v4.1: 223 of 1,614,194 alleles (0.014%); highest among the groups gnomAD compares: African/African-American, 0.23%; 1 homozygote.

Submissions (2):

Labcorp Genetics (formerly Invitae), Labcorp
Classification: Likely benign. Last evaluated: 2026-01-07. Review status: criteria provided, single submitter. Criteria: Invitae Variant Classification Sherloc (09022015). Collection method: clinical testing. Allele origin: germline.

GeneDx
Classification: Uncertain significance. Last evaluated: 2022-12-09. Review status: criteria provided, single submitter. Criteria: GeneDx Variant Classification Process June 2021. Collection method: clinical testing. Allele origin: germline. Affected: yes.
Comment: In silico analysis supports that this missense variant does not alter protein structure/function; Has not been previously published as pathogenic or benign to our knowledge